The following is an entry in ClinVar:

NM_001277313.2(FMN1):c.2697T>C (p.Ala899=)

Gene: FMN1 (formin 1; minus strand). Cytogenetic location: 15q13.3.
Variant type: single nucleotide variant.
Coding change: c.2697T>C on transcript NM_001277313.2 (MANE Select); coding-DNA position 2697, T replaced by C.
Protein change: p.Ala899=; no amino-acid change (alanine 899 retained).
Molecular consequence: synonymous variant.
Genome position (GRCh38, 1-based): chr15:32,969,004, A>G on the plus strand (T>C on the coding strand, the complement: FMN1 is on the minus strand). VCF-style: chr15-32969004-A-G. GRCh37 (hg19) VCF-style: chr15-33261205-A-G.
Other names: c.2028T>C (NM_001103184.3); c.2028T>C, p.Ala676= (NM_001103184.4).
Identifiers: ClinVar variation 287726 (VCV000287726.13), dbSNP rs377621176, ClinGen allele CA7456890.
Genomic context (GRCh38, chr15:32,969,004, plus strand): 5'-AGCACTTGAAGGTGGAGGTAGAGGTGGCGGTGGAGGAGGCGGAGGTGGTAGCGGTGGCCC[A>G]GCACTCACAGGTGGCATTGGAGGTGCGGGAGACAAAGATCCAAGTCCTGAGGGGAGGGGC-3'
Protein context (NP_001264242.1, residues 889-909): SPAPPMPPVS[Ala899=]GPPLPPPPPP

ClinVar aggregate classification (germline): Benign/Likely benign. Review status: criteria provided, multiple submitters, no conflicts (2 of 4 stars). 3 submissions from 3 submitters: Benign (2); Likely benign (1). Last evaluated 2025-08-29.

Conditions:
FMN1-related disorder. Also called: FMN1-related condition.

Allele frequency attached by ClinVar (database versions not stated): gnomAD exomes 0.00053 and 0.00081; 1000 Genomes Project 0.00280; 1000 Genomes Project 30x 0.00281; ExAC 0.00285; gnomAD 0.00291 and 0.00310; ESP Exome Variant Server 0.00341; TOPMed 0.00343.
gnomAD v4.1: 994 of 1,201,482 alleles (0.083%); highest among the groups gnomAD compares: African/African-American, 0.98%; 4 homozygotes.

Submissions (3):

Labcorp Genetics (formerly Invitae), Labcorp
Classification: Benign. Last evaluated: 2025-08-29. Review status: criteria provided, single submitter. Criteria: Invitae Variant Classification Sherloc (09022015). Collection method: clinical testing. Allele origin: germline.

PreventionGenetics, part of Exact Sciences
Classification: Likely benign for FMN1-related condition. Last evaluated: 2025-04-06. Review status: criteria provided, single submitter. Criteria: ACMG Guidelines, 2015. Collection method: clinical testing. Allele origin: germline.
Comment: This variant is classified as likely benign based on ACMG/AMP sequence variant interpretation guidelines (Richards et al. 2015 PMID: 25741868, with internal and published modifications).

Eurofins Ntd Llc (ga)
Classification: Benign. Last evaluated: 2017-08-24. Review status: criteria provided, single submitter. Criteria: EGL Classification Definitions 2015. Collection method: clinical testing. Allele origin: germline. Observed: 4 variant alleles, 4 heterozygotes.